The following is an entry in ClinVar:

ClinVar aggregate classification (germline): Conflicting classifications of pathogenicity. Review status: criteria provided, conflicting classifications (1 of 4 stars). 4 submissions from 4 submitters: Uncertain significance (1); Benign (3). Last evaluated 2026-02-02.

Conditions:
Kindler syndrome (KNDLRS). Also called: BULLOUS ACROKERATOTIC POIKILODERMA OF KINDLER AND WEARY; POIKILODERMA, CONGENITAL, WITH BULLAE, WEARY TYPE; POIKILODERMA, HEREDITARY ACROKERATOTIC; Poikiloderma of Kindler; Congenital bullous poikiloderma; Kindler's syndrome. Identifiers: Orphanet 2908, Orphanet 306539, MedGen C0406557, MONDO:0008260, OMIM 173650.

Allele frequency attached by ClinVar (database versions not stated): 1000 Genomes Project 0.00200; 1000 Genomes Project 30x 0.00281; ESP Exome Variant Server 0.00423; TOPMed 0.00431; gnomAD 0.00503; gnomAD exomes 0.00559; ExAC 0.00661.
gnomAD v4.1: 10,122 of 1,611,174 alleles (0.63%); highest among the groups gnomAD compares: South Asian, 1.3%; 45 homozygotes.

Submissions (4):

Labcorp Genetics (formerly Invitae), Labcorp
Classification: Benign. Last evaluated: 2026-02-02. Review status: criteria provided, single submitter. Criteria: Invitae Variant Classification Sherloc (09022015). Collection method: clinical testing. Allele origin: germline.

CeGaT Center for Human Genetics Tuebingen
Classification: Benign. Last evaluated: 2025-10-01. Review status: criteria provided, single submitter. Criteria: CeGaT Center For Human Genetics Tuebingen Variant Classification Criteria Version 2. Collection method: clinical testing. Allele origin: germline. Affected: yes. Observed: 4 variant alleles.
Comment: FERMT1: BS1, BS2

Illumina Laboratory Services, Illumina
Classification: Benign for Kindler syndrome. Last evaluated: 2018-01-13. Review status: criteria provided, single submitter. Criteria: ICSL Variant Classification Criteria 13 December 2019. Collection method: clinical testing. Allele origin: germline.
Comment: This variant was observed in the ICSL laboratory as part of a predisposition screen in an ostensibly healthy population. It had not been previously curated by ICSL or reported in the Human Gene Mutation Database (HGMD: prior to June 1st, 2018), and was therefore a candidate for classification through an automated scoring system. Utilizing variant allele frequency, disease prevalence and penetrance estimates, and inheritance mode, an automated score was calculated to assess if this variant is too frequent to cause the disease. Based on the score and internal cut-off values, a variant classified as benign is not then subjected to further curation. The score for this variant resulted in a classification of benign for this disease.

GeneDx
Classification: Uncertain significance. Last evaluated: 2017-07-14. Review status: criteria provided, single submitter. Criteria: GeneDx Variant Classification (06012015). Collection method: clinical testing. Allele origin: germline. Affected: yes.
Comment: The A534T variant in the FERMT1 gene has not been reported previously as a pathogenic variant, nor as a benign variant, to our knowledge. The A534T variant is observed in 174/14,502 (1.2%) alleles from individuals of South Asian background, including multiple unrelated homozygous individuals, in the ExAC dataset (Lek et al., 2016). The A534T variant is a non-conservative amino acid substitution, which is likely to impact secondary protein structure as these residues differ in polarity, charge, size and/or other properties. However, this substitution occurs at a position that is not conserved, and in silico analysis is inconsistent in its predictions as to whether or not the variant is damaging to the protein structure/function. We interpret A534T as a variant of uncertain significance.

NM_017671.5(FERMT1):c.1600G>A (p.Ala534Thr)

Gene: FERMT1 (FERM domain containing kindlin 1; minus strand). Cytogenetic location: 20p12.3.
Variant type: single nucleotide variant.
Coding change: c.1600G>A on transcript NM_017671.5 (MANE Select); coding-DNA position 1600, G replaced by A.
Protein change: p.Ala534Thr; replaces alanine 534 with threonine.
Molecular consequence: missense variant.
Genome position (GRCh38, 1-based): chr20:6,084,158, C>T on the plus strand (G>A on the coding strand, the complement: FERMT1 is on the minus strand). VCF-style: chr20-6084158-C-T. GRCh37 (hg19) VCF-style: chr20-6064805-C-T.
Other names: short protein forms A534T.
Identifiers: ClinVar variation 339211 (VCV000339211.43), dbSNP rs2232078, ClinGen allele CA9758082.
Genomic context (GRCh38, chr20:6,084,158, plus strand): 5'-GCAGCTTGGCTTCGACCAGGGGCATCTGGGCCACGTTCTGGTGCGCCTCCAGGATCCGGG[C>T]GGCCAGCTGAACAGAAACAGACATCAACCTCTCTTCACATGCACCGGCTGCTCTGTGATC-3'
Protein context (NP_060141.3, residues 524-544): AKRHKSKQLA[Ala534Thr]RILEAHQNVA